The following is an entry in ClinVar:

ClinVar aggregate classification (germline): Likely benign. Review status: criteria provided, multiple submitters, no conflicts (2 of 4 stars). 4 submissions from 4 submitters: Likely benign (3). 1 of the submissions does not count toward it. Last evaluated 2026-01-25.

Conditions:
COL2A1-related disorder. Also called: COL2A1-related condition; COL2A1-related disorders.

Allele frequency attached by ClinVar (database versions not stated): gnomAD 0.00008 and 0.00009; gnomAD exomes 0.00009 and 0.00016; TOPMed 0.00010; ExAC 0.00017; 1000 Genomes Project 0.00020; 1000 Genomes Project 30x 0.00031.
gnomAD v4.1: 138 of 1,613,488 alleles (0.0086%); highest among the groups gnomAD compares: East Asian, 0.091%; no homozygotes.

Submissions (4):

Labcorp Genetics (formerly Invitae), Labcorp
Classification: Likely benign. Last evaluated: 2026-01-25. Review status: criteria provided, single submitter. Criteria: Invitae Variant Classification Sherloc (09022015). Collection method: clinical testing. Allele origin: germline.

Blueprint Genetics
Classification: Likely benign. Last evaluated: 2024-08-19. Review status: criteria provided, single submitter. Criteria: ACMG Guidelines, 2015. Collection method: clinical testing. Allele origin: germline.

CeGaT Center for Human Genetics Tuebingen
Classification: Likely benign. Last evaluated: 2024-05-01. Review status: criteria provided, single submitter. Criteria: CeGaT Center For Human Genetics Tuebingen Variant Classification Criteria Version 2. Collection method: clinical testing. Allele origin: germline. Affected: yes. Observed: 1 variant allele.
Comment: COL2A1: BP4, BP7

PreventionGenetics, part of Exact Sciences
Classification: Likely benign for COL2A1-related condition. Last evaluated: 2019-11-15. Review status: no assertion criteria provided. Collection method: clinical testing. Allele origin: germline. Not counted in ClinVar's aggregate classification.
Comment: This variant is classified as likely benign based on ACMG/AMP sequence variant interpretation guidelines (Richards et al. 2015 PMID: 25741868, with internal and published modifications).

NM_001844.5(COL2A1):c.1056C>T (p.Pro352=)

Gene: COL2A1 (collagen type II alpha 1 chain; minus strand). Cytogenetic location: 12q13.11.
Variant type: single nucleotide variant.
Coding change: c.1056C>T on transcript NM_001844.5 (MANE Select); coding-DNA position 1056, C replaced by T.
Protein change: p.Pro352=; no amino-acid change (proline 352 retained).
Molecular consequence: synonymous variant.
Genome position (GRCh38, 1-based): chr12:47,989,773, G>A on the plus strand (C>T on the coding strand, the complement: COL2A1 is on the minus strand). VCF-style: chr12-47989773-G-A. GRCh37 (hg19) VCF-style: chr12-48383556-G-A.
Other names: c.849C>T, p.Pro283= (NM_033150.3); c.1056C>T (NM_001844.4).
Identifiers: ClinVar variation 1158580 (VCV001158580.30), dbSNP rs528554971, ClinGen allele CA6535631.
Genomic context (GRCh38, chr12:47,989,773, plus strand): 5'-GACTTAAAGCACAGCAACAATGACCTGCTGAGGATGAAATGAACTTACCGGAGGCCCTGC[G>A]GGGCCTGGCTGACCATCGTTGCCTCGGGCACCCTGTGAGCAAGAAGGAAGTGACCATGAG-3'
Protein context (NP_001835.3, residues 342-362): GARGNDGQPG[Pro352=]AGPPGPVGPA